The following is an entry in ClinVar:

ClinVar aggregate classification (germline): Benign/Likely benign. Review status: criteria provided, multiple submitters, no conflicts (2 of 4 stars). 5 submissions from 5 submitters: Benign (1); Likely benign (4). Last evaluated 2026-01-14.

Conditions:
Hereditary cancer-predisposing syndrome. Also called: Hereditary neoplastic syndrome; Neoplastic Syndromes, Hereditary; Tumor predisposition; Hereditary Cancer Syndrome. Identifiers: Orphanet 140162, MedGen C0027672, MeSH D009386, MONDO:0015356.
Familial cancer of breast. Also called: BREAST CANCER, FAMILIAL; Hereditary breast cancer; hereditary breast carcinoma. Identifiers: Orphanet 227535, MedGen C0346153, MONDO:0016419, OMIM 114480. Disease mechanism: loss of function.

Allele frequency attached by ClinVar (database versions not stated): gnomAD exomes 0.00001.
gnomAD v4.1: 7 of 1,614,206 alleles (0.00043%); highest among the groups gnomAD compares: South Asian, 0.0022%; no homozygotes.

Submissions (5):

Labcorp Genetics (formerly Invitae), Labcorp
Classification: Likely benign for Familial cancer of breast. Last evaluated: 2026-01-14. Review status: criteria provided, single submitter. Criteria: Invitae Variant Classification Sherloc (09022015). Collection method: clinical testing. Allele origin: germline.

Myriad Genetics, Inc.
Classification: Benign for Familial cancer of breast. Last evaluated: 2025-01-16. Review status: criteria provided, single submitter. Criteria: Myriad Autosomal Dominant, Autosomal Recessive and X-Linked Classification Criteria (2023). Collection method: clinical testing. Allele origin: unknown.
Comment: This variant is considered benign. This variant is a silent/synonymous amino acid change and it is not expected to impact splicing.

Ambry Genetics
Classification: Likely benign for Hereditary cancer-predisposing syndrome. Last evaluated: 2024-04-27. Review status: criteria provided, single submitter. Criteria: Ambry Variant Classification Scheme 2023. Collection method: clinical testing. Allele origin: germline.

Color Diagnostics, LLC DBA Color Health
Classification: Likely benign for Hereditary cancer-predisposing syndrome. Last evaluated: 2021-11-19. Review status: criteria provided, single submitter. Criteria: ACMG Guidelines, 2015. Collection method: clinical testing. Allele origin: germline.

Cancer Genetics Laboratory, Peter MacCallum Cancer Centre
Classification: Likely benign for Familial cancer of breast. Last evaluated: 2015-06-01. Review status: criteria provided, single submitter. Criteria: Thompson et al. (Breast Cancer Res. 2015). Collection method: case-control. Allele origin: germline. Affected: yes. Observed: 1 variant allele, 1 heterozygote.

NM_024675.4(PALB2):c.2337A>C (p.Ser779=)

Gene: PALB2 (partner and localizer of BRCA2; minus strand). Cytogenetic location: 16p12.2.
Variant type: single nucleotide variant.
Coding change: c.2337A>C on transcript NM_024675.4 (MANE Select); coding-DNA position 2337, A replaced by C.
Protein change: p.Ser779=; no amino-acid change (serine 779 retained).
Molecular consequence: synonymous variant.
Genome position (GRCh38, 1-based): chr16:23,629,817, T>G on the plus strand (A>C on the coding strand, the complement: PALB2 is on the minus strand). VCF-style: chr16-23629817-T-G. GRCh37 (hg19) VCF-style: chr16-23641138-T-G.
Identifiers: ClinVar variation 184735 (VCV000184735.15), dbSNP rs786201651, ClinGen allele CA189891.